The following is an entry in ClinVar:

NM_001164508.2(NEB):c.21348A>T (p.Gln7116His)

Genes: NEB (nebulin; minus strand), RIF1 (replication timing regulatory factor 1; plus strand). Cytogenetic location: 2q23.3.
Variant type: single nucleotide variant.
Coding change: c.21348A>T on transcript NM_001164508.2 (MANE Select); coding-DNA position 21348, A replaced by T.
Protein change: p.Gln7116His; replaces glutamine 7116 with histidine.
Molecular consequence: missense variant. On other transcripts: intron variant (2).
Genome position (GRCh38, 1-based): chr2:151,533,511, T>A on the plus strand (A>T on the coding strand, the complement: NEB is on the minus strand). VCF-style: chr2-151533511-T-A. GRCh37 (hg19) VCF-style: chr2-152390025-T-A.
Other names: c.21453A>T, p.Gln7151His (NM_001271208.2); c.16314+704A>T (NM_004543.5); c.21417+704A>T (NM_001164507.2); short protein forms Q7151H, Q7116H.
Identifiers: ClinVar variation 2124017 (VCV002124017.2), dbSNP rs765124475, ClinGen allele CA348771716.
Genomic context (GRCh38, chr2:151,533,511, plus strand): 5'-CATATGCGAATTGTAGAGAGCAGTCAACATATCTGGACGCAGAATTTCATTACATCCATG[T>A]TGCAGAAACATCTTGGCACTAGATTTATATTTTCTCTGTCCATGCAAAGAGCAGTGAAGC-3'
Protein context (NP_001157980.2, residues 7106-7126): KYKSSAKMFL[Gln7116His]HGCNEILRPD

ClinVar aggregate classification (germline): Uncertain significance (1 of 4 stars; one submission).

Conditions:
Nemaline myopathy 2 (NEM2). Also called: Nemaline myopathy 2, autosomal recessive. Identifiers: MedGen C1850569, MONDO:0009725, OMIM 256030.

Allele frequency attached by ClinVar (database versions not stated): gnomAD exomes below 0.00001; TOPMed below 0.00001.
gnomAD v4.1: 1 of 1,551,514 alleles (0.000064%); highest among the groups gnomAD compares: African/African-American, 0.0014%; no homozygotes.

Submission:

Labcorp Genetics (formerly Invitae), Labcorp
Classification: Uncertain significance for Nemaline myopathy 2. Last evaluated: 2025-06-23. Review status: criteria provided, single submitter. Criteria: Invitae Variant Classification Sherloc (09022015). Collection method: clinical testing. Allele origin: germline.
Comment: This sequence change replaces glutamine, which is neutral and polar, with histidine, which is basic and polar, at codon 7151 of the NEB protein (p.Gln7151His). This variant is not present in population databases (gnomAD no frequency). This variant has not been reported in the literature in individuals affected with NEB-related conditions. ClinVar contains an entry for this variant (Variation ID: 2124017). Experimental studies and prediction algorithms are not available or were not evaluated, and the functional significance of this variant is currently unknown. In summary, the available evidence is currently insufficient to determine the role of this variant in disease. Therefore, it has been classified as a Variant of Uncertain Significance.